The following is an entry in ClinVar:

NM_001376.5(DYNC1H1):c.518+4A>G

Gene: DYNC1H1 (dynein cytoplasmic 1 heavy chain 1; plus strand). Cytogenetic location: 14q32.31.
Variant type: single nucleotide variant.
Coding change: c.518+4A>G on transcript NM_001376.5 (MANE Select); 4 bases into the intron after coding-DNA position 518, A replaced by G.
Molecular consequence: intron variant.
Genome position (GRCh38, 1-based): chr14:101,979,496, A>G. VCF-style: chr14-101979496-A-G. GRCh37 (hg19) VCF-style: chr14-102445833-A-G.
Identifiers: ClinVar variation 2092419 (VCV002092419.4), dbSNP rs754052535, ClinGen allele CA7351537.
Genomic context (GRCh38, chr14:101,979,496, plus strand): 5'-CAATGCAGTGGCTCCTTTTTTTAAGTCCTACATTAGAGAGTCTGGCAAGGCAGACAGGTA[A>G]AAACTGTGGTTTGAATGTTATATTTCACTTAATGTTCACAAGATAGTATAGAACTCGGTG-3'

ClinVar aggregate classification (germline): Uncertain significance (1 of 4 stars; one submission).

Conditions:
Charcot-Marie-Tooth disease axonal type 2O. Also called: CHARCOT-MARIE-TOOTH NEUROPATHY, AXONAL, TYPE 2O; CHARCOT-MARIE-TOOTH DISEASE, AXONAL, AUTOSOMAL DOMINANT, TYPE 2O; Charcot-Marie-Tooth disease, axonal, type 20; Charcot-Marie-Tooth Neuropathy Type 2O. Identifiers: Orphanet 284232, MedGen C3280220, MONDO:0013644, OMIM 614228.

Allele frequency attached by ClinVar (database versions not stated): ExAC 0.00001.
gnomAD v4.1: 1 of 1,614,128 alleles (0.000062%); no homozygotes.

Submission:

Labcorp Genetics (formerly Invitae), Labcorp
Classification: Uncertain significance for Charcot-Marie-Tooth disease axonal type 2O. Last evaluated: 2022-02-03. Review status: criteria provided, single submitter. Criteria: Invitae Variant Classification Sherloc (09022015). Collection method: clinical testing. Allele origin: germline.
Comment: In summary, the available evidence is currently insufficient to determine the role of this variant in disease. Therefore, it has been classified as a Variant of Uncertain Significance. Variants that disrupt the consensus splice site are a relatively common cause of aberrant splicing (PMID: 17576681, 9536098). Algorithms developed to predict the effect of sequence changes on RNA splicing suggest that this variant may disrupt the consensus splice site. This variant has not been reported in the literature in individuals affected with DYNC1H1-related conditions. This variant is present in population databases (rs754052535, gnomAD 0.006%). This sequence change falls in intron 3 of the DYNC1H1 gene. It does not directly change the encoded amino acid sequence of the DYNC1H1 protein. It affects a nucleotide within the consensus splice site.

Literature cited by the submitters: PubMed 17576681; PubMed 9536098.